The following is an entry in ClinVar:

NM_000540.3(RYR1):c.7836-3C>G

Gene: RYR1 (ryanodine receptor 1; plus strand). Cytogenetic location: 19q13.2.
Variant type: single nucleotide variant.
Coding change: c.7836-3C>G on transcript NM_000540.3 (MANE Select); 3 bases into the intron before coding-DNA position 7836, C replaced by G.
Molecular consequence: intron variant.
Genome position (GRCh38, 1-based): chr19:38,502,877, C>G. VCF-style: chr19-38502877-C-G. GRCh37 (hg19) VCF-style: chr19-38993517-C-G.
Other names: c.7836-3C>G (NM_001042723.2).
Identifiers: ClinVar variation 1937983 (VCV001937983.5), dbSNP rs1345584460, ClinGen allele CA2580097218.

ClinVar aggregate classification (germline): Uncertain significance (1 of 4 stars; one submission).

Conditions:
RYR1-related disorder. Also called: RYR1-related condition; RYR1-related disorders. Identifiers: MedGen CN239331.

gnomAD v4.1: 1 of 1,610,338 alleles (0.000062%); highest among the groups gnomAD compares: Non-Finnish European, 0.000085%; no homozygotes.

Submission:

Labcorp Genetics (formerly Invitae), Labcorp
Classification: Uncertain significance for RYR1-related disorder. Last evaluated: 2022-08-16. Review status: criteria provided, single submitter. Criteria: Invitae Variant Classification Sherloc (09022015). Collection method: clinical testing. Allele origin: germline.
Comment: This sequence change falls in intron 48 of the RYR1 gene. It does not directly change the encoded amino acid sequence of the RYR1 protein. It affects a nucleotide within the consensus splice site. This variant is not present in population databases (gnomAD no frequency). This variant has been observed in individual(s) with congenital myopathy (Invitae). Variants that disrupt the consensus splice site are a relatively common cause of aberrant splicing (PMID: 17576681, 9536098). Algorithms developed to predict the effect of sequence changes on RNA splicing suggest that this variant may create or strengthen a splice site. In summary, the available evidence is currently insufficient to determine the role of this variant in disease. Therefore, it has been classified as a Variant of Uncertain Significance.

Literature cited by the submitters: PubMed 17576681; PubMed 9536098.